The following is an entry in ClinVar:

ClinVar aggregate classification (germline): Uncertain significance. Review status: criteria provided, multiple submitters, no conflicts (2 of 4 stars). 2 submissions from 2 submitters: Uncertain significance (2). Last evaluated 2023-07-17.

Conditions:
Microcephaly-intellectual disability-sensorineural hearing loss-epilepsy-abnormal muscle tone syndrome (NEDHSB). Also called: NEURODEVELOPMENTAL DISORDER WITH HEARING LOSS, SEIZURES, AND BRAIN ABNORMALITIES. Identifiers: Orphanet 457351, MedGen C4225276, MONDO:0014698, OMIM 616577.

Allele frequency attached by ClinVar (database versions not stated): gnomAD exomes 0.00001 and 0.00002; ExAC 0.00002; gnomAD 0.00002; TOPMed 0.00002.
gnomAD v4.1: 26 of 1,614,026 alleles (0.0016%); highest among the groups gnomAD compares: Admixed American, 0.0083%; no homozygotes.

Submissions (2):

Labcorp Genetics (formerly Invitae), Labcorp
Classification: Uncertain significance for Microcephaly-intellectual disability-sensorineural hearing loss-epilepsy-abnormal muscle tone syndrome. Last evaluated: 2023-07-17. Review status: criteria provided, single submitter. Criteria: Invitae Variant Classification Sherloc (09022015). Collection method: clinical testing. Allele origin: germline.
Comment: Advanced modeling of protein sequence and biophysical properties (such as structural, functional, and spatial information, amino acid conservation, physicochemical variation, residue mobility, and thermodynamic stability) performed at Invitae indicates that this missense variant is expected to disrupt SPATA5 protein function. This sequence change replaces glutamic acid, which is acidic and polar, with lysine, which is basic and polar, at codon 684 of the SPATA5 protein (p.Glu684Lys). This variant is present in population databases (rs774587301, gnomAD 0.01%). This variant has not been reported in the literature in individuals affected with SPATA5-related conditions. ClinVar contains an entry for this variant (Variation ID: 641415). In summary, the available evidence is currently insufficient to determine the role of this variant in disease. Therefore, it has been classified as a Variant of Uncertain Significance.

GeneDx
Classification: Uncertain significance. Last evaluated: 2019-12-19. Review status: criteria provided, single submitter. Criteria: GeneDx Variant Classification Process June 2021. Collection method: clinical testing. Allele origin: germline. Affected: yes.
Comment: Not observed at a significant frequency in large population cohorts (Lek et al., 2016); In silico analysis, which includes protein predictors and evolutionary conservation, supports a deleterious effect; Has not been previously published as pathogenic or benign to our knowledge

NM_145207.3(AFG2A):c.2050G>A (p.Glu684Lys)

Gene: AFG2A (AAA ATPase AFG2A; plus strand). Cytogenetic location: 4q28.1.
Variant type: single nucleotide variant.
Coding change: c.2050G>A on transcript NM_145207.3 (MANE Select); coding-DNA position 2050, G replaced by A.
Protein change: p.Glu684Lys; replaces glutamic acid 684 with lysine.
Molecular consequence: missense variant.
Genome position (GRCh38, 1-based): chr4:123,028,366, G>A. VCF-style: chr4-123028366-G-A. GRCh37 (hg19) VCF-style: chr4-123949521-G-A.
Other names: c.2047G>A, p.Glu683Lys (NM_001317799.2, NM_001345856.2); short protein forms E684K, E683K.
Identifiers: ClinVar variation 641415 (VCV000641415.8), dbSNP rs774587301, ClinGen allele CA3070607.
Genomic context (GRCh38, chr4:123,028,366, plus strand): 5'-GTTCTTCTCTATGGGCCACCTGGGTGCTCTAAAACAATGATAGCAAAGGCTTTGGCCAAT[G>A]AGAGTGGACTGAATTTTCTAGCTATAAAGGTAGGGTGTTAAATTTTTTAATCGCTACTCT-3'
Protein context (NP_660208.2, residues 674-694): KTMIAKALAN[Glu684Lys]SGLNFLAIKG